The following is an entry in ClinVar:

NM_015450.3(POT1):c.471G>C (p.Gln157His)

Gene: POT1 (protection of telomeres 1; minus strand). Cytogenetic location: 7q31.33.
Variant type: single nucleotide variant.
Coding change: c.471G>C on transcript NM_015450.3 (MANE Select); coding-DNA position 471, G replaced by C.
Protein change: p.Gln157His; replaces glutamine 157 with histidine.
Molecular consequence: missense variant. On other transcripts: non-coding transcript variant (3).
Genome position (GRCh38, 1-based): chr7:124,863,425, C>G on the plus strand (G>C on the coding strand, the complement: POT1 is on the minus strand). VCF-style: chr7-124863425-C-G. GRCh37 (hg19) VCF-style: chr7-124503479-C-G.
Other names: c.78G>C, p.Gln26His (NM_001042594.2); short protein forms Q26H, Q157H.
Identifiers: ClinVar variation 955049 (VCV000955049.10), dbSNP rs1795646837, ClinGen allele CA369059060.

ClinVar aggregate classification (germline): Uncertain significance (1 of 4 stars; one submission).

Conditions:
Tumor predisposition syndrome 3 (TPDS3). Also called: Melanoma, cutaneous malignant, susceptibility to, 10; Glioma susceptibility 9; LONG TELOMERE SYNDROME, POT1-RELATED; POT1 Tumor Predisposition. Identifiers: Orphanet 618, MedGen C4014476, MONDO:0014368, OMIM 615848.

Submission:

Labcorp Genetics (formerly Invitae), Labcorp
Classification: Uncertain significance for Tumor predisposition syndrome 3. Last evaluated: 2019-10-21. Review status: criteria provided, single submitter. Criteria: Invitae Variant Classification Sherloc (09022015). Collection method: clinical testing. Allele origin: germline.
Comment: In summary, the available evidence is currently insufficient to determine the role of this variant in disease. Therefore, it has been classified as a Variant of Uncertain Significance. Algorithms developed to predict the effect of missense changes on protein structure and function are either unavailable or do not agree on the potential impact of this missense change (SIFT: "Deleterious"; PolyPhen-2: "Benign"; Align-GVGD: "Class C0"). This variant has not been reported in the literature in individuals with POT1-related conditions. This variant is not present in population databases (ExAC no frequency). This sequence change replaces glutamine with histidine at codon 157 of the POT1 protein (p.Gln157His). The glutamine residue is highly conserved and there is a small physicochemical difference between glutamine and histidine.